The following is an entry in ClinVar:

ClinVar aggregate classification (germline): Uncertain significance. Review status: criteria provided, multiple submitters, no conflicts (2 of 4 stars). 2 submissions from 2 submitters: Uncertain significance (2). Last evaluated 2025-11-16.

Allele frequency attached by ClinVar (database versions not stated): TOPMed below 0.00001; gnomAD exomes 0.00002 and 0.00003; ExAC 0.00003.
gnomAD v4.1: 39 of 1,614,124 alleles (0.0024%); highest among the groups gnomAD compares: East Asian, 0.087%; no homozygotes.

Submissions (2):

Mayo Clinic Laboratories, Mayo Clinic
Classification: Uncertain significance. Last evaluated: 2025-11-16. Review status: criteria provided, single submitter. Criteria: ACMG Guidelines, 2015. Collection method: clinical testing. Allele origin: germline. Observed: 1 variant allele.
Comment: BP4

Eurofins Ntd Llc (ga)
Classification: Uncertain significance. Last evaluated: 2018-07-09. Review status: criteria provided, single submitter. Criteria: EGL ClinVar v180209 classification definitions. Collection method: clinical testing. Allele origin: germline. Observed: 1 variant allele, 1 heterozygote.

NM_001193315.2(VIPAS39):c.467G>A (p.Ser156Asn)

Gene: VIPAS39 (VPS33B interacting protein, apical-basolateral polarity regulator, spe-39 homolog; minus strand). Cytogenetic location: 14q24.3.
Variant type: single nucleotide variant.
Coding change: c.467G>A on transcript NM_001193315.2 (MANE Select); coding-DNA position 467, G replaced by A.
Protein change: p.Ser156Asn; replaces serine 156 with asparagine.
Molecular consequence: missense variant.
Genome position (GRCh38, 1-based): chr14:77,448,531, C>T on the plus strand (G>A on the coding strand, the complement: VIPAS39 is on the minus strand). VCF-style: chr14-77448531-C-T. GRCh37 (hg19) VCF-style: chr14-77914874-C-T.
Other names: p.Ser156Asn; c.467G>A, p.Ser156Asn (NM_001193314.2, NM_001193317.2, NM_022067.4); c.320G>A, p.Ser107Asn (NM_001193316.2); short protein forms S156N, S107N.
Identifiers: ClinVar variation 597952 (VCV000597952.7), dbSNP rs754618039, ClinGen allele CA7288088.